The following is an entry in ClinVar:

NM_005633.4(SOS1):c.578C>T (p.Pro193Leu)

Gene: SOS1 (SOS Ras/Rac guanine nucleotide exchange factor 1; minus strand). Cytogenetic location: 2p22.1.
Variant type: single nucleotide variant.
Coding change: c.578C>T on transcript NM_005633.4 (MANE Select); coding-DNA position 578, C replaced by T.
Protein change: p.Pro193Leu; replaces proline 193 with leucine.
Molecular consequence: missense variant.
Genome position (GRCh38, 1-based): chr2:39,054,756, G>A on the plus strand (C>T on the coding strand, the complement: SOS1 is on the minus strand). VCF-style: chr2-39054756-G-A. GRCh37 (hg19) VCF-style: chr2-39281897-G-A.
Other names: c.557C>T, p.Pro186Leu (NM_001382394.1); c.578C>T, p.Pro193Leu (NM_001382395.1); short protein forms P193L, P186L.
Identifiers: ClinVar variation 1749646 (VCV001749646.3), dbSNP rs1174182802, ClinGen allele CA346373212.

ClinVar aggregate classification (germline): Uncertain significance. Review status: criteria provided, multiple submitters, no conflicts (2 of 4 stars). 2 submissions from 2 submitters: Uncertain significance (2). Last evaluated 2023-05-06.

Conditions:
Cardiovascular phenotype. Identifiers: MedGen CN230736.

Allele frequency attached by ClinVar (database versions not stated): gnomAD 0.00001.
gnomAD v4.1: 1 of 1,592,346 alleles (0.000063%); highest among the groups gnomAD compares: East Asian, 0.0022%; no homozygotes.

Submissions (2):

GeneDx
Classification: Uncertain significance. Last evaluated: 2023-05-06. Review status: criteria provided, single submitter. Criteria: GeneDx Variant Classification Process June 2021. Collection method: clinical testing. Allele origin: germline. Affected: yes.
Comment: Missense variants in this gene are often considered pathogenic (HGMD); In silico analysis supports that this missense variant has a deleterious effect on protein structure/function; Has not been previously published as pathogenic or benign to our knowledge; This variant is associated with the following publications: (PMID: 29493581)

Ambry Genetics
Classification: Uncertain significance for Cardiovascular phenotype. Last evaluated: 2020-11-16. Review status: criteria provided, single submitter. Criteria: Ambry Variant Classification Scheme 2023. Collection method: clinical testing. Allele origin: germline.
Comment: The p.P193L variant (also known as c.578C>T), located in coding exon 5 of the SOS1 gene, results from a C to T substitution at nucleotide position 578. The proline at codon 193 is replaced by leucine, an amino acid with similar properties. This amino acid position is well conserved in available vertebrate species. In addition, the in silico prediction for this alteration is inconclusive. Since supporting evidence is limited at this time, the clinical significance of this alteration remains unclear.